The following is an entry in ClinVar:

NM_000629.3(IFNAR1):c.1427C>T (p.Ser476Phe)

Gene: IFNAR1 (interferon alpha and beta receptor subunit 1; plus strand). Cytogenetic location: 21q22.11.
Variant type: single nucleotide variant.
Coding change: c.1427C>T on transcript NM_000629.3 (MANE Select); coding-DNA position 1427, C replaced by T.
Protein change: p.Ser476Phe; replaces serine 476 with phenylalanine.
Molecular consequence: missense variant. On other transcripts: intron variant (1).
Genome position (GRCh38, 1-based): chr21:33,353,770, C>T. VCF-style: chr21-33353770-C-T. GRCh37 (hg19) VCF-style: chr21-34726076-C-T.
Other names: c.1427C>T, p.Ser476Phe (NM_001384498.1, NM_001384503.1); c.665C>T, p.Ser222Phe (NM_001384500.1); c.1412C>T, p.Ser471Phe (NM_001384501.1); c.965C>T, p.Ser322Phe (NM_001384502.1); c.1220C>T, p.Ser407Phe (NM_001384504.1); c.1294+862C>T (NM_001384499.1); short protein forms S222F, S471F, S407F, S476F, S322F.
Identifiers: ClinVar variation 2058898 (VCV002058898.2), dbSNP rs369713150, ClinGen allele CA10006754.

ClinVar aggregate classification (germline): Uncertain significance (1 of 4 stars; one submission).

Allele frequency attached by ClinVar (database versions not stated): ESP Exome Variant Server 0.00015; gnomAD 0.00015; TOPMed 0.00015; gnomAD exomes 0.00021; 1000 Genomes Project 30x 0.00031; ExAC 0.00034; 1000 Genomes Project 0.00040.
gnomAD v4.1: 326 of 1,576,762 alleles (0.021%); highest among the groups gnomAD compares: South Asian, 0.16%; 1 homozygote.

Submission:

Labcorp Genetics (formerly Invitae), Labcorp
Classification: Uncertain significance. Last evaluated: 2024-01-22. Review status: criteria provided, single submitter. Criteria: Invitae Variant Classification Sherloc (09022015). Collection method: clinical testing. Allele origin: germline.
Comment: This sequence change replaces serine, which is neutral and polar, with phenylalanine, which is neutral and non-polar, at codon 476 of the IFNAR1 protein (p.Ser476Phe). This variant is present in population databases (rs369713150, gnomAD 0.2%). This variant has not been reported in the literature in individuals affected with IFNAR1-related conditions. ClinVar contains an entry for this variant (Variation ID: 2058898). An algorithm developed to predict the effect of missense changes on protein structure and function (PolyPhen-2) suggests that this variant is likely to be disruptive. Algorithms developed to predict the effect of sequence changes on RNA splicing suggest that this variant may disrupt the consensus splice site. In summary, the available evidence is currently insufficient to determine the role of this variant in disease. Therefore, it has been classified as a Variant of Uncertain Significance.